The following is an entry in ClinVar:

NM_003047.5(SLC9A1):c.1097A>G (p.Tyr366Cys)

Gene: SLC9A1 (solute carrier family 9 member A1; minus strand). Cytogenetic location: 1p36.11.
Variant type: single nucleotide variant.
Coding change: c.1097A>G on transcript NM_003047.5 (MANE Select); coding-DNA position 1097, A replaced by G.
Protein change: p.Tyr366Cys; replaces tyrosine 366 with cysteine.
Molecular consequence: missense variant. On other transcripts: non-coding transcript variant (1).
Genome position (GRCh38, 1-based): chr1:27,107,833, T>C on the plus strand (A>G on the coding strand, the complement: SLC9A1 is on the minus strand). VCF-style: chr1-27107833-T-C. GRCh37 (hg19) VCF-style: chr1-27434324-T-C.
Other names: short protein forms Y366C.
Identifiers: ClinVar variation 3372222 (VCV003372222.1).

ClinVar aggregate classification (germline): Uncertain significance (1 of 4 stars; one submission).

gnomAD v4.1: 1 of 1,607,432 alleles (0.000062%); highest among the groups gnomAD compares: Non-Finnish European, 0.000085%; no homozygotes.

Submission:

GeneDx
Classification: Uncertain significance. Last evaluated: 2024-04-08. Review status: criteria provided, single submitter. Criteria: GeneDx Variant Classification Process June 2021. Collection method: clinical testing. Allele origin: germline. Affected: yes.
Comment: Not observed at significant frequency in large population cohorts (gnomAD); In silico analysis supports that this missense variant has a deleterious effect on protein structure/function; Has not been previously published as pathogenic or benign to our knowledge